The following is an entry in ClinVar:

ClinVar aggregate classification (germline): Uncertain significance. Review status: criteria provided, multiple submitters, no conflicts (2 of 4 stars). 2 submissions from 2 submitters: Uncertain significance (2). Last evaluated 2025-10-10.

Conditions:
Cardiovascular phenotype. Identifiers: MedGen CN230736.
Brugada syndrome. Also called: Sudden unexpected nocturnal death syndrome; Sudden unexplained nocturnal death syndrome; Sudden Unexplained Death Syndrome; Sudden Unexplained Nocturnal Death Syndrome (SUNDS). Identifiers: Orphanet 130, MedGen C1142166, MONDO:0015263.

Allele frequency attached by ClinVar (database versions not stated): gnomAD exomes 0.00003; ExAC 0.00006; gnomAD 0.00009 and 0.00010; TOPMed 0.00011; ESP Exome Variant Server 0.00015.
gnomAD v4.1: 63 of 1,613,946 alleles (0.0039%); highest among the groups gnomAD compares: African/African-American, 0.017%; no homozygotes.

Submissions (2):

Labcorp Genetics (formerly Invitae), Labcorp
Classification: Uncertain significance for Brugada syndrome. Last evaluated: 2025-10-10. Review status: criteria provided, single submitter. Criteria: Invitae Variant Classification Sherloc (09022015). Collection method: clinical testing. Allele origin: germline.
Comment: This sequence change replaces arginine, which is basic and polar, with histidine, which is basic and polar, at codon 274 of the KCNJ8 protein (p.Arg274His). This variant is present in population databases (rs149127157, gnomAD 0.01%). This missense change has been observed in individual(s) with KCNJ8-related conditions (PMID: 30847666). ClinVar contains an entry for this variant (Variation ID: 216600). Invitae Evidence Modeling of protein sequence and biophysical properties (such as structural, functional, and spatial information, amino acid conservation, physicochemical variation, residue mobility, and thermodynamic stability) indicates that this missense variant is not expected to disrupt KCNJ8 protein function with a negative predictive value of 80%. In summary, the available evidence is currently insufficient to determine the role of this variant in disease. Therefore, it has been classified as a Variant of Uncertain Significance.

Ambry Genetics
Classification: Uncertain significance for Cardiovascular phenotype. Last evaluated: 2025-07-09. Review status: criteria provided, single submitter. Criteria: Ambry Variant Classification Scheme 2023. Collection method: clinical testing. Allele origin: germline.
Comment: The p.R274H variant (also known as c.821G>A), located in coding exon 2 of the KCNJ8 gene, results from a G to A substitution at nucleotide position 821. The arginine at codon 274 is replaced by histidine, an amino acid with highly similar properties. This amino acid position is highly conserved in available vertebrate species. In addition, the in silico prediction for this alteration is inconclusive. Based on the available evidence, the clinical significance of this variant remains unclear.

Literature cited by the submitters: PubMed 30847666 (cited by Labcorp Genetics (formerly Invitae), Labcorp).

NM_004982.4(KCNJ8):c.821G>A (p.Arg274His)

Genes: KCNJ8-AS1 (KCNJ8 antisense RNA 1; plus strand), KCNJ8 (potassium inwardly rectifying channel subfamily J member 8; minus strand). Cytogenetic location: 12p12.1.
Variant type: single nucleotide variant.
Coding change: c.821G>A on transcript NM_004982.4 (MANE Select); coding-DNA position 821, G replaced by A.
Protein change: p.Arg274His; replaces arginine 274 with histidine.
Molecular consequence: missense variant.
Genome position (GRCh38, 1-based): chr12:21,766,177, C>T on the plus strand (G>A on the coding strand, the complement: KCNJ8 is on the minus strand). VCF-style: chr12-21766177-C-T. GRCh37 (hg19) VCF-style: chr12-21919111-C-T.
Other names: short protein forms R274H.
Identifiers: ClinVar variation 216600 (VCV000216600.11), dbSNP rs149127157, ClinGen allele CA337350.